The following is an entry in ClinVar:

NM_018136.5(ASPM):c.7488A>G (p.Thr2496=)

Gene: ASPM (assembly factor for spindle microtubules; minus strand). Cytogenetic location: 1q31.3.
Variant type: single nucleotide variant.
Coding change: c.7488A>G on transcript NM_018136.5 (MANE Select); coding-DNA position 7488, A replaced by G.
Protein change: p.Thr2496=; no amino-acid change (threonine 2496 retained).
Molecular consequence: synonymous variant. On other transcripts: intron variant (1).
Genome position (GRCh38, 1-based): chr1:197,101,763, T>C on the plus strand (A>G on the coding strand, the complement: ASPM is on the minus strand). VCF-style: chr1-197101763-T-C. GRCh37 (hg19) VCF-style: chr1-197070893-T-C.
Other names: c.4066-5599A>G (NM_001206846.2).
Identifiers: ClinVar variation 3040246 (VCV003040246.2), dbSNP rs770735309, ClinGen allele CA1309389.
Genomic context (GRCh38, chr1:197,101,763, plus strand): 5'-TGTTCGATAATGTTGCTGAATTAGAATTGAAGCATGTTTCCAAGTCTGAAATGTAATATA[T>C]GTTCTGTACATCCTGAAAGTAGCCTGAATGAGAACTGCAGCCCTTTGCATTTCTTGTAAC-3'
Protein context (NP_060606.3, residues 2486-2506): LIQATFRMYR[Thr2496=]YITFQTWKHA

ClinVar aggregate classification (germline): Likely benign (0 of 4 stars; one submission).

Conditions:
ASPM-related disorder. Also called: ASPM-related condition.

Submission:

PreventionGenetics, part of Exact Sciences
Classification: Likely benign for ASPM-related condition. Last evaluated: 2019-09-19. Review status: no assertion criteria provided. Collection method: clinical testing. Allele origin: germline.
Comment: This variant is classified as likely benign based on ACMG/AMP sequence variant interpretation guidelines (Richards et al. 2015 PMID: 25741868, with internal and published modifications).